The following is an entry in ClinVar:

ClinVar aggregate classification (germline): Uncertain significance (1 of 4 stars; one submission).

Conditions:
Inborn genetic diseases. Identifiers: MedGen C0950123, MeSH D030342.

gnomAD v4.1: 1 of 1,208,053 alleles (0.000083%); highest among the groups gnomAD compares: African/African-American, 0.0017%; no homozygotes.

Submission:

Ambry Genetics
Classification: Uncertain significance for Inborn genetic diseases. Last evaluated: 2025-10-07. Review status: criteria provided, single submitter. Criteria: Ambry Variant Classification Scheme 2023. Collection method: clinical testing. Allele origin: germline.
Comment: The c.1708C>G (p.L570V) alteration is located in exon 12 (coding exon 12) of the SLC6A8 gene. This alteration results from a C to G substitution at nucleotide position 1708, causing the leucine (L) at amino acid position 570 to be replaced by a valine (V). Based on data from gnomAD, the G allele has an overall frequency of 0.005% (1/21912) total alleles studied. The highest observed frequency was 0.017% (1/5955) of African alleles. Based on insufficient or conflicting evidence, the clinical significance of this alteration remains unclear.

NM_005629.4(SLC6A8):c.1708C>G (p.Leu570Val)

Gene: SLC6A8 (solute carrier family 6 member 8; plus strand). Cytogenetic location: Xq28.
Variant type: single nucleotide variant.
Coding change: c.1708C>G on transcript NM_005629.4 (MANE Select); coding-DNA position 1708, C replaced by G.
Protein change: p.Leu570Val; replaces leucine 570 with valine.
Molecular consequence: missense variant.
Genome position (GRCh38, 1-based): chrX:153,694,830, C>G. VCF-style: chrX-153694830-C-G. GRCh37 (hg19) VCF-style: chrX-152960285-C-G.
Other names: c.1678C>G, p.Leu560Val (NM_001142805.2); c.1363C>G, p.Leu455Val (NM_001142806.1); short protein forms L455V, L560V, L570V.
Identifiers: ClinVar variation 4631487 (VCV004631487.1).
Genomic context (GRCh38, chrX:153,694,830, plus strand): 5'-ACCTACGTGTACCCGTGGTGGGGTGAGGCCATGGGCTGGGCCTTCGCCCTGTCCTCCATG[C>G]TGTGCGTGCCGCTGCACCTCCTGGGCTGCCTCCTCAGGGCCAAGGGCACCATGGCTGAGG-3'
Protein context (NP_005620.1, residues 560-580): MGWAFALSSM[Leu570Val]CVPLHLLGCL